The following is an entry in ClinVar:

NM_000363.5(TNNI3):c.91A>G (p.Thr31Ala)

Gene: TNNI3 (troponin I3, cardiac type; minus strand). Cytogenetic location: 19q13.42.
Variant type: single nucleotide variant.
Coding change: c.91A>G on transcript NM_000363.5 (MANE Select); coding-DNA position 91, A replaced by G.
Protein change: p.Thr31Ala; replaces threonine 31 with alanine.
Molecular consequence: missense variant.
Genome position (GRCh38, 1-based): chr19:55,157,067, T>C on the plus strand (A>G on the coding strand, the complement: TNNI3 is on the minus strand). VCF-style: chr19-55157067-T-C. GRCh37 (hg19) VCF-style: chr19-55668435-T-C.
Other names: short protein forms T31A.
Identifiers: ClinVar variation 1171368 (VCV001171368.4), dbSNP rs1298916040, ClinGen allele CA407442920.

ClinVar aggregate classification (germline): Uncertain significance. Review status: criteria provided, multiple submitters, no conflicts (2 of 4 stars). 2 submissions from 2 submitters: Uncertain significance (2). Last evaluated 2024-08-06.

Conditions:
Cardiomyopathy (CMYO). Also called: Cardiomyopathies. Identifiers: Orphanet 167848, MedGen C0878544, MONDO:0004994, HP:0001638. Inheritance: Various modes of inheritance.
Hypertrophic cardiomyopathy. Also called: HYPERTROPHIC MYOCARDIOPATHY. Identifiers: Orphanet 217569, MedGen C0007194, MeSH D002312, MONDO:0005045, HP:0001639.

Submissions (2):

All of Us Research Program, National Institutes of Health
Classification: Uncertain significance for Hypertrophic cardiomyopathy. Last evaluated: 2024-08-06. Review status: criteria provided, single submitter. Criteria: ACMG Guidelines, 2015. Collection method: clinical testing. Allele origin: germline. Inheritance: Autosomal dominant inheritance. Observed: 1 variant allele, 1 heterozygote.
Comment: This missense variant replaces threonine with alanine at codon 31 of the TNNI3 protein. Computational prediction suggests that this variant may not impact protein structure and function (internally defined REVEL score threshold <= 0.5, PMID: 27666373). To our knowledge, functional studies have not been reported for this variant. This variant has not been reported in individuals affected with cardiovascular disorders in the literature. This variant has not been identified in the general population by the Genome Aggregation Database (gnomAD). The available evidence is insufficient to determine the role of this variant in disease conclusively. Therefore, this variant is classified as a Variant of Uncertain Significance.

This study involves interpretation of variants in research participants for the purpose of population health screening. Participant phenotype was not available at the time of variant classification. Additional details can be found in publication PMID: 35346344, PMCID: PMC8962531

Color Diagnostics, LLC DBA Color Health
Classification: Uncertain significance for Cardiomyopathy. Last evaluated: 2024-03-07. Review status: criteria provided, single submitter. Criteria: ACMG Guidelines, 2015. Collection method: clinical testing. Allele origin: germline.
Comment: This missense variant replaces threonine with alanine at codon 31 of the TNNI3 protein. Computational prediction suggests that this variant may not impact protein structure and function (internally defined REVEL score threshold <= 0.5, PMID: 27666373). To our knowledge, functional studies have not been reported for this variant. This variant has not been reported in individuals affected with cardiovascular disorders in the literature. This variant has not been identified in the general population by the Genome Aggregation Database (gnomAD). The available evidence is insufficient to determine the role of this variant in disease conclusively. Therefore, this variant is classified as a Variant of Uncertain Significance.